The following is an entry in ClinVar:

ClinVar aggregate classification (germline): Likely benign (0 of 4 stars; one submission).

Conditions:
PLXNA3-related disorder. Also called: PLXNA3-related condition.

Submission:

PreventionGenetics, part of Exact Sciences
Classification: Likely benign for PLXNA3-related condition. Last evaluated: 2024-01-11. Review status: no assertion criteria provided. Collection method: clinical testing. Allele origin: germline.
Comment: This variant is classified as likely benign based on ACMG/AMP sequence variant interpretation guidelines (Richards et al. 2015 PMID: 25741868, with internal and published modifications).

NM_017514.5(PLXNA3):c.5436G>A (p.Glu1812=)

Gene: PLXNA3 (plexin A3; plus strand). Cytogenetic location: Xq28.
Variant type: single nucleotide variant.
Coding change: c.5436G>A on transcript NM_017514.5 (MANE Select); coding-DNA position 5436, G replaced by A.
Protein change: p.Glu1812=; no amino-acid change (glutamic acid 1812 retained).
Molecular consequence: synonymous variant.
Genome position (GRCh38, 1-based): chrX:154,471,554, G>A. VCF-style: chrX-154471554-G-A. GRCh37 (hg19) VCF-style: chrX-153699897-G-A.
Identifiers: ClinVar variation 3357059 (VCV003357059.1).